The following is an entry in ClinVar:

NM_000179.3(MSH6):c.2169T>C (p.Gly723=)

Gene: MSH6 (mutS homolog 6; plus strand). Cytogenetic location: 2p16.3.
Variant type: single nucleotide variant.
Coding change: c.2169T>C on transcript NM_000179.3 (MANE Select); coding-DNA position 2169, T replaced by C.
Protein change: p.Gly723=; no amino-acid change (glycine 723 retained).
Molecular consequence: synonymous variant.
Genome position (GRCh38, 1-based): chr2:47,800,152, T>C. VCF-style: chr2-47800152-T-C. GRCh37 (hg19) VCF-style: chr2-48027291-T-C.
Other names: c.1779T>C, p.Gly593= (NM_001281492.2); c.1263T>C, p.Gly421= (NM_001281493.2, NM_001281494.2).
Identifiers: ClinVar variation 381735 (VCV000381735.23), dbSNP rs769422122, ClinGen allele CA068534.
Genomic context (GRCh38, chr2:47,800,152, plus strand): 5'-GGCTAATTTTGAAGAATATATTCCCTTGGATTCTGACACAGTCAGCACTACAAGATCTGG[T>C]GCTATCTTCACCAAAGCCTATCAACGAATGGTGCTAGATGCAGTGACATTAAACAACTTG-3'
Protein context (NP_000170.1, residues 713-733): DSDTVSTTRS[Gly723=]AIFTKAYQRM

ClinVar aggregate classification (germline): Benign/Likely benign. Review status: criteria provided, multiple submitters, no conflicts (2 of 4 stars). 7 submissions from 7 submitters: Benign (1); Likely benign (5). 1 of the submissions does not count toward it. Last evaluated 2026-01-08.

Conditions:
MSH6-related disorder. Also called: MSH6-related condition; MSH6-Related disorders.
Hereditary cancer-predisposing syndrome. Also called: Tumor predisposition; Hereditary neoplastic syndrome; Neoplastic Syndromes, Hereditary; Hereditary Cancer Syndrome. Identifiers: Orphanet 140162, MedGen C0027672, MeSH D009386, MONDO:0015356.
Hereditary nonpolyposis colorectal neoplasms. Identifiers: MedGen C0009405, MeSH D003123.
Lynch syndrome 5 (LYNCH5). Also called: Colorectal cancer, hereditary nonpolyposis, type 5; Hereditary non-polyposis colorectal cancer, type 5. Identifiers: Orphanet 144, MedGen C1833477, MONDO:0013710, OMIM 614350. Disease mechanism: loss of function.

Allele frequency attached by ClinVar (database versions not stated): gnomAD exomes below 0.00001 and 0.00001; ExAC 0.00001; TOPMed 0.00004; gnomAD 0.00006.
gnomAD v4.1: 7 of 1,614,046 alleles (0.00043%); highest among the groups gnomAD compares: East Asian, 0.013%; no homozygotes.

Submissions (7):

Labcorp Genetics (formerly Invitae), Labcorp
Classification: Likely benign for Hereditary nonpolyposis colorectal neoplasms. Last evaluated: 2026-01-08. Review status: criteria provided, single submitter. Criteria: Invitae Variant Classification Sherloc (09022015). Collection method: clinical testing. Allele origin: germline.

Women's Health and Genetics/Laboratory Corporation of America, LabCorp
Classification: Likely benign. Last evaluated: 2025-06-16. Review status: criteria provided, single submitter. Criteria: LabCorp Variant Classification Summary - May 2015. Collection method: clinical testing. Allele origin: germline.

Myriad Genetics, Inc.
Classification: Benign for Lynch syndrome 5. Last evaluated: 2024-12-30. Review status: criteria provided, single submitter. Criteria: Myriad Autosomal Dominant, Autosomal Recessive and X-Linked Classification Criteria (2023). Collection method: clinical testing. Allele origin: unknown.
Comment: This variant is considered benign. This variant is a silent/synonymous amino acid change and it is not expected to impact splicing.

GeneDx
Classification: Likely benign. Last evaluated: 2019-02-26. Review status: criteria provided, single submitter. Criteria: GeneDx Variant Classification Process June 2021. Collection method: clinical testing. Allele origin: germline. Affected: yes.

Color Diagnostics, LLC DBA Color Health
Classification: Likely benign for Hereditary cancer-predisposing syndrome. Last evaluated: 2017-12-04. Review status: criteria provided, single submitter. Criteria: ACMG Guidelines, 2015. Collection method: clinical testing. Allele origin: germline.

Ambry Genetics
Classification: Likely benign for Hereditary cancer-predisposing syndrome. Last evaluated: 2015-10-06. Review status: criteria provided, single submitter. Criteria: Ambry Variant Classification Scheme 2023. Collection method: clinical testing. Allele origin: germline.

PreventionGenetics, part of Exact Sciences
Classification: Likely benign for MSH6-related condition. Last evaluated: 2023-02-02. Review status: no assertion criteria provided. Collection method: clinical testing. Allele origin: germline. Not counted in ClinVar's aggregate classification.
Comment: This variant is classified as likely benign based on ACMG/AMP sequence variant interpretation guidelines (Richards et al. 2015 PMID: 25741868, with internal and published modifications).